The following is an entry in ClinVar:

ClinVar aggregate classification (germline): Uncertain significance. Review status: criteria provided, single submitter (1 of 4 stars). 3 submissions from 2 submitters: Uncertain significance (2). 1 of the submissions does not count toward it.

Conditions:
Maturity-onset diabetes of the young (MODY). Also called: Maturity onset diabetes mellitus in young. Identifiers: Orphanet 552, MedGen C0342276, MONDO:0018911, HP:0004904.
Transitory neonatal diabetes mellitus. Also called: Transient neonatal diabetes mellitus. Identifiers: MedGen C0342273, MONDO:0020525, HP:0008255.
Hereditary hyperinsulinism.

gnomAD v4.1: 1 of 1,579,456 alleles (0.000063%); highest among the groups gnomAD compares: South Asian, 0.0012%; no homozygotes.

Submissions (3):

Clinical Genomics, Uppaluri K&H Personalized Medicine Clinic
Classification: Uncertain significance for Transitory neonatal diabetes mellitus. Review status: criteria provided, single submitter. Criteria: K & H Uppaluri Personalized Medicine Clinic Variant Classification & Assertion Criteria_Updated V.1. Collection method: research. Allele origin: somatic. Inheritance: Somatic mutation.
Comment: Mutations in ABCC8 gene are associated with both neonatal diabetes mellitus as well as MODY. Patients with this mutation may have a better response to sulfonylureas. However, no sufficient evidence is found to ascertain the role of this particular variant (rs1953901271) in neonatal diabetes yet.

Clinical Genomics, Uppaluri K&H Personalized Medicine Clinic
Classification: Uncertain significance for Maturity-onset diabetes of the young. Review status: criteria provided, single submitter. Criteria: K & H Uppaluri Personalized Medicine Clinic Variant Classification & Assertion Criteria_Updated V.1. Collection method: research. Allele origin: somatic. Inheritance: Somatic mutation.
Comment: Mutations in ABCC8 gene are associated with both neonatal diabetes mellitus as well as MODY. Patients with this mutation may have a better response to sulfonylureas. However, no sufficient evidence is found to ascertain the role of this particular variant ( rs1953901271) in MODY yet.

Natera, Inc.
Classification: Uncertain significance for Hereditary hyperinsulinism. Last evaluated: 2020-04-10. Review status: no assertion criteria provided. Collection method: clinical testing. Allele origin: germline. Not counted in ClinVar's aggregate classification.

Literature cited by the submitters: PubMed 16885549 (cited by Clinical Genomics, Uppaluri K&H Personalized Medicine Clinic); PubMed 21989597 (cited by Clinical Genomics, Uppaluri K&H Personalized Medicine Clinic); PubMed 27538677 (cited by Clinical Genomics, Uppaluri K&H Personalized Medicine Clinic); PubMed 18981553 (cited by Clinical Genomics, Uppaluri K&H Personalized Medicine Clinic); PubMed 32027066 (cited by Clinical Genomics, Uppaluri K&H Personalized Medicine Clinic); PubMed 16613899 (cited by Clinical Genomics, Uppaluri K&H Personalized Medicine Clinic); PubMed 18025408 (cited by Clinical Genomics, Uppaluri K&H Personalized Medicine Clinic); PubMed 32792356 (cited by Clinical Genomics, Uppaluri K&H Personalized Medicine Clinic).

NM_000352.6(ABCC8):c.4124G>C (p.Gly1375Ala)

Gene: ABCC8 (ATP binding cassette subfamily C member 8; minus strand). Cytogenetic location: 11p15.1.
Variant type: single nucleotide variant.
Coding change: c.4124G>C on transcript NM_000352.6 (MANE Select); coding-DNA position 4124, G replaced by C.
Protein change: p.Gly1375Ala; replaces glycine 1375 with alanine.
Molecular consequence: missense variant. On other transcripts: non-coding transcript variant (1).
Genome position (GRCh38, 1-based): chr11:17,395,926, C>G on the plus strand (G>C on the coding strand, the complement: ABCC8 is on the minus strand). VCF-style: chr11-17395926-C-G. GRCh37 (hg19) VCF-style: chr11-17417473-C-G.
Other names: c.4127G>C, p.Gly1376Ala (NM_001287174.3); c.4190G>C, p.Gly1397Ala (NM_001351295.2); c.4124G>C, p.Gly1375Ala (NM_001351296.2); c.4121G>C, p.Gly1374Ala (NM_001351297.2); short protein forms G1374A, G1375A, G1376A, G1397A.
Identifiers: ClinVar variation 989956 (VCV000989956.2), dbSNP rs1953901271, ClinGen allele CA379788591.